The following is an entry in ClinVar:

NM_001205293.3(CACNA1E):c.6869G>T (p.Gly2290Val)

Gene: CACNA1E (calcium voltage-gated channel subunit alpha1 E; plus strand). Cytogenetic location: 1q25.3.
Variant type: single nucleotide variant.
Coding change: c.6869G>T on transcript NM_001205293.3 (MANE Select); coding-DNA position 6869, G replaced by T.
Protein change: p.Gly2290Val; replaces glycine 2290 with valine.
Molecular consequence: missense variant.
Genome position (GRCh38, 1-based): chr1:181,798,761, G>T. VCF-style: chr1-181798761-G-T. GRCh37 (hg19) VCF-style: chr1-181767897-G-T.
Other names: c.6740G>T, p.Gly2247Val (NM_000721.4); c.6683G>T, p.Gly2228Val (NM_001205294.2); short protein forms G2228V, G2247V, G2290V.
Identifiers: ClinVar variation 3393435 (VCV003393435.1).

ClinVar aggregate classification (germline): Uncertain significance (1 of 4 stars; one submission).

Conditions:
Developmental and epileptic encephalopathy, 69. Also called: EPILEPTIC ENCEPHALOPATHY, EARLY INFANTILE, 69. Identifiers: MedGen C4748988, MONDO:0032657, OMIM 618285.

gnomAD v4.1: 1 of 1,598,876 alleles (0.000063%); highest among the groups gnomAD compares: South Asian, 0.0011%; no homozygotes.

Submission:

Neuberg Centre For Genomic Medicine, NCGM
Classification: Uncertain significance for Developmental and epileptic encephalopathy, 69. Review status: criteria provided, single submitter. Criteria: ACMG Guidelines, 2015. Collection method: clinical testing. Allele origin: germline. Inheritance: Autosomal dominant inheritance. Affected: yes.
Comment: The observed missense c.6869G>T p.Gly2290Val variant in CACNA1E gene has not been reported previously as a pathogenic variant nor as a benign variant, to our knowledge. The p.Gly2290Val variant is absent in gnomAD Exomes. This variant has not been submitted to the ClinVar database. Multiple lines of computational evidence Polyphen - Probably damaging, SIFT – Damaging and Mutation Taster - Disease causing predict a damaging effect on protein structure and function for this variant. The reference amino acid at this position on CACNA1E gene is predicted as conserved by GERP++ and PhyloP across 100 vertebrates. The amino acid Gly at position 2290 is changed to a Val changing protein sequence and it might alter its composition and physico-chemical properties. For these reasons, this variant has been classified as Variant of Uncertain Significance VUS.